The following is an entry in ClinVar:

NM_005654.6(NR2F1):c.344G>T (p.Arg115Leu)

Genes: NR2F1 (nuclear receptor subfamily 2 group F member 1; plus strand), NR2F1-AS1 (NR2F1 regulatory antisense RNA 1; minus strand). Cytogenetic location: 5q15.
Variant type: single nucleotide variant.
Coding change: c.344G>T on transcript NM_005654.6 (MANE Select); coding-DNA position 344, G replaced by T.
Protein change: p.Arg115Leu; replaces arginine 115 with leucine.
Molecular consequence: missense variant.
Genome position (GRCh38, 1-based): chr5:93,585,367, G>T. VCF-style: chr5-93585367-G-T. GRCh37 (hg19) VCF-style: chr5-92921073-G-T.
Other names: short protein forms R115L.
Identifiers: ClinVar variation 1806170 (VCV001806170.1), dbSNP rs587777274, ClinGen allele CA360526072.

ClinVar aggregate classification (germline): Uncertain significance (1 of 4 stars; one submission).

Conditions:
Bosch-Boonstra-Schaaf optic atrophy syndrome (BBSOAS). Also called: NR2F1-Related Neurodevelopmental Disorder. Identifiers: Orphanet 401777, MedGen C3810363, MONDO:0014320, OMIM 615722.

Submission:

Victorian Clinical Genetics Services, Murdoch Childrens Research Institute
Classification: Uncertain significance for Bosch-Boonstra-Schaaf optic atrophy syndrome. Last evaluated: 2019-08-28. Review status: criteria provided, single submitter. Criteria: ACMG Guidelines, 2015. Collection method: clinical testing. Allele origin: germline. Inheritance: Autosomal dominant inheritance. Affected: yes.
Comment: A heterozygous missense variant was identified, NM_005654.5(NR2F1):c.344G>T in exon 1 of 3 of the NR2F1 gene. This substitution is predicted to create a major amino acid change from arginine to leucine at position 115 of the protein, NP_005645.1(NR2F1):p.(Arg115Leu). The arginine at this position has moderate conservation (100 vertebrates, UCSC), and is located within the DNA-binding functional domain. In silico software predicts this variant to be pathogenic (PolyPhen, SIFT, CADD, MutationTaster). The variant is not present in the gnomAD population database. It has not been previously reported in clinical cases. A different variant in the same codon resulting in a change to proline has been reported in patients with Bosch-Boonstra-Schaaf optic atrophy syndrome (ClinVar, Bosch, D. et al. (2014)). Based on information available at the time of curation, this variant has been classified as a VARIANT of UNCERTAIN SIGNIFICANCE (VUS) with POTENTIAL CLINICAL RELEVANCE.